The following is an entry in ClinVar:

ClinVar aggregate classification (germline): Uncertain significance (1 of 4 stars; one submission).

Conditions:
Autosomal dominant childhood-onset proximal spinal muscular atrophy with contractures (SMALED2A). Also called: SPINAL MUSCULAR ATROPHY, LOWER EXTREMITY-PREDOMINANT, 2A, CHILDHOOD ONSET, AUTOSOMAL DOMINANT; Spinal muscular atrophy, lower extremity-predominant, 2A, autosomal dominant. Identifiers: Orphanet 363447, Orphanet 363454, MedGen C4747715, MONDO:0014121, OMIM 615290.

gnomAD v4.1: 1 of 1,613,170 alleles (0.000062%); highest among the groups gnomAD compares: African/African-American, 0.0013%; no homozygotes.

Submission:

Labcorp Genetics (formerly Invitae), Labcorp
Classification: Uncertain significance for Autosomal dominant childhood-onset proximal spinal muscular atrophy with contractures. Last evaluated: 2024-04-18. Review status: criteria provided, single submitter. Criteria: Invitae Variant Classification Sherloc (09022015). Collection method: clinical testing. Allele origin: germline.
Comment: This sequence change replaces valine, which is neutral and non-polar, with alanine, which is neutral and non-polar, at codon 706 of the BICD2 protein (p.Val706Ala). This variant is present in population databases (no rsID available, gnomAD 0.007%). This variant has not been reported in the literature in individuals affected with BICD2-related conditions. Advanced modeling of protein sequence and biophysical properties (such as structural, functional, and spatial information, amino acid conservation, physicochemical variation, residue mobility, and thermodynamic stability) performed at Invitae indicates that this missense variant is not expected to disrupt BICD2 protein function with a negative predictive value of 80%. In summary, the available evidence is currently insufficient to determine the role of this variant in disease. Therefore, it has been classified as a Variant of Uncertain Significance.

NM_001003800.2(BICD2):c.2117T>C (p.Val706Ala)

Gene: BICD2 (BICD cargo adaptor 2; minus strand). Cytogenetic location: 9q22.31.
Variant type: single nucleotide variant.
Coding change: c.2117T>C on transcript NM_001003800.2 (MANE Select); coding-DNA position 2117, T replaced by C.
Protein change: p.Val706Ala; replaces valine 706 with alanine.
Molecular consequence: missense variant.
Genome position (GRCh38, 1-based): chr9:92,717,938, A>G on the plus strand (T>C on the coding strand, the complement: BICD2 is on the minus strand). VCF-style: chr9-92717938-A-G. GRCh37 (hg19) VCF-style: chr9-95480220-A-G.
Other names: c.2117T>C, p.Val706Ala (NM_015250.4); short protein forms V706A.
Identifiers: ClinVar variation 3649751 (VCV003649751.2).